The following is an entry in ClinVar:

NM_001384125.1(BLTP1):c.7105C>A (p.Pro2369Thr)

Gene: BLTP1 (bridge-like lipid transfer protein family member 1; plus strand). Cytogenetic location: 4q27.
Variant type: single nucleotide variant.
Coding change: c.7105C>A on transcript NM_001384125.1 (MANE Select); coding-DNA position 7105, C replaced by A.
Protein change: p.Pro2369Thr; replaces proline 2369 with threonine.
Molecular consequence: missense variant.
Genome position (GRCh38, 1-based): chr4:122,263,564, C>A. VCF-style: chr4-122263564-C-A. GRCh37 (hg19) VCF-style: chr4-123184719-C-A.
Other names: c.7105C>A, p.Pro2369Thr (NM_015312.4); short protein forms P2369T.
Identifiers: ClinVar variation 1676331 (VCV001676331.4), dbSNP rs534326417, ClinGen allele CA3066942.

ClinVar aggregate classification (germline): Uncertain significance. Review status: criteria provided, multiple submitters, no conflicts (2 of 4 stars). 2 submissions from 2 submitters: Uncertain significance (2). Last evaluated 2024-12-03.

Conditions:
Alkuraya-Kucinskas syndrome. Identifiers: Orphanet 610569, MedGen C4693347, MONDO:0060631, OMIM 617822.

gnomAD v4.1: 52 of 1,611,904 alleles (0.0032%); highest among the groups gnomAD compares: South Asian, 0.052%; no homozygotes.

Submissions (2):

GeneDx
Classification: Uncertain significance. Last evaluated: 2024-12-03. Review status: criteria provided, single submitter. Criteria: GeneDx Variant Classification Process June 2021. Collection method: clinical testing. Allele origin: germline. Affected: yes.
Comment: In silico analysis indicates that this missense variant does not alter protein structure/function; This variant is associated with the following publications: (PMID: 35377517)

Revvity Omics, Revvity
Classification: Uncertain significance for Alkuraya-Kucinskas syndrome. Last evaluated: 2023-09-26. Review status: criteria provided, single submitter. Criteria: ACMG Guidelines, 2015. Collection method: clinical testing. Allele origin: germline.